The following is an entry in ClinVar:

NM_001099289.3(SH3RF3):c.1327C>G (p.Pro443Ala)

Genes: RANBP2 (RAN binding protein 2; plus strand), SH3RF3 (SH3 domain containing ring finger 3; plus strand). Cytogenetic location: 2q13.
Variant type: single nucleotide variant.
Coding change: c.1327C>G on transcript NM_001099289.3 (MANE Select); coding-DNA position 1327, C replaced by G.
Protein change: p.Pro443Ala; replaces proline 443 with alanine.
Molecular consequence: missense variant.
Genome position (GRCh38, 1-based): chr2:109,419,566, C>G. VCF-style: chr2-109419566-C-G. GRCh37 (hg19) VCF-style: chr2-110036022-C-G.
Other names: short protein forms P443A.
Identifiers: ClinVar variation 4583339 (VCV004583339.1).

ClinVar aggregate classification (germline): Uncertain significance (1 of 4 stars; one submission).

gnomAD v4.1: 15 of 1,598,716 alleles (0.00094%); highest among the groups gnomAD compares: South Asian, 0.016%; no homozygotes.

Submission:

Ambry Genetics
Classification: Uncertain significance. Last evaluated: 2025-12-11. Review status: criteria provided, single submitter. Criteria: Ambry Variant Classification Scheme 2023. Collection method: clinical testing. Allele origin: germline.
Comment: The c.1327C>G (p.P443A) alteration is located in exon (coding exon ) of the SH3RF3 gene. This alteration results from a C to G substitution at nucleotide position 1327, causing the proline (P) at amino acid position 443 to be replaced by an alanine (A). Based on insufficient or conflicting evidence, the clinical significance of this alteration remains unclear.